The following is an entry in ClinVar:

ClinVar aggregate classification (germline): Uncertain significance (1 of 4 stars; one submission).

gnomAD v4.1: 20 of 1,613,852 alleles (0.0012%); highest among the groups gnomAD compares: Non-Finnish European, 0.0014%; no homozygotes.

Submission:

Labcorp Genetics (formerly Invitae), Labcorp
Classification: Uncertain significance. Last evaluated: 2025-12-03. Review status: criteria provided, single submitter. Criteria: Invitae Variant Classification Sherloc (09022015). Collection method: clinical testing. Allele origin: germline.
Comment: This sequence change replaces serine, which is neutral and polar, with leucine, which is neutral and non-polar, at codon 173 of the LAMB1 protein (p.Ser173Leu). This variant is present in population databases (rs777314468, gnomAD 0.0009%). This variant has not been reported in the literature in individuals affected with LAMB1-related conditions. An algorithm developed to predict the effect of missense changes on protein structure and function (PolyPhen-2) suggests that this variant is likely to be disruptive. In summary, the available evidence is currently insufficient to determine the role of this variant in disease. Therefore, it has been classified as a Variant of Uncertain Significance.

NM_002291.3(LAMB1):c.518C>T (p.Ser173Leu)

Gene: LAMB1 (laminin subunit beta 1; minus strand). Cytogenetic location: 7q31.1.
Variant type: single nucleotide variant.
Coding change: c.518C>T on transcript NM_002291.3 (MANE Select); coding-DNA position 518, C replaced by T.
Protein change: p.Ser173Leu; replaces serine 173 with leucine.
Molecular consequence: missense variant.
Genome position (GRCh38, 1-based): chr7:107,986,269, G>A on the plus strand (C>T on the coding strand, the complement: LAMB1 is on the minus strand). VCF-style: chr7-107986269-G-A. GRCh37 (hg19) VCF-style: chr7-107626714-G-A.
Other names: short protein forms S173L.
Identifiers: ClinVar variation 4776442 (VCV004776442.1).